The following is an entry in ClinVar:

ClinVar aggregate classification (germline): Likely pathogenic. Review status: criteria provided, single submitter (1 of 4 stars). 3 submissions from 3 submitters: Likely pathogenic (1). 2 of the submissions do not count toward it. Last evaluated 2025-08-27.

Conditions:
Bone marrow failure syndrome 3 (BMFS3). Identifiers: MedGen C4310744, MONDO:0014887, OMIM 617052.
Inherited bone marrow failure syndrome. Identifiers: MedGen C2986691.

Submissions (3):

3billion
Classification: Likely pathogenic for Bone marrow failure syndrome 3. Last evaluated: 2025-08-27. Review status: criteria provided, single submitter. Criteria: ACMG Guidelines, 2015. Collection method: clinical testing. Allele origin: germline. Affected: yes.
Comment: The variant is not observed in the gnomAD v4.1.0 dataset. Predicted Consequence/Location: Missense variant. The majority of the known disease-causing variants of this gene are variants expected to result in premature termination of the protein. Functional studies provide moderate evidence of the variant having a damaging effect on the gene or gene product (PMID: 27346687). In silico tool predictions suggest damaging effect of the variant on gene or gene product [REVEL: 0.88 (>=0.6, sensitivity 0.68 and specificity 0.92)]. The same nucleotide change resulting in the same amino acid change has been previously reported to be associated with DNAJC21-related disorder (ClinVar ID: VCV000222063 /PMID: 27346687). Therefore, this variant is classified as Likely pathogenic according to the recommendation of ACMG/AMP guideline.

OMIM
Classification: Pathogenic for BONE MARROW FAILURE SYNDROME 3. Last evaluated: 2016-07-28. Review status: no assertion criteria provided. Collection method: literature only. Allele origin: germline. Not counted in ClinVar's aggregate classification.

Bone Marrow Failure laboratory, Queen Mary University London
Classification: Pathogenic for Inherited bone marrow failure syndrome. Last evaluated: 2015-12-17. Review status: no assertion criteria provided. Collection method: research. Allele origin: unknown. Affected: yes. Observed: 1 variant allele, 1 homozygote. Not counted in ClinVar's aggregate classification.

Literature cited by the submitters: PubMed 27346687 (cited by 3 submitters).

NM_001012339.3(DNAJC21):c.94C>G (p.Pro32Ala)

Genes: DNAJC21 (DnaJ heat shock protein family (Hsp40) member C21; plus strand), LOC129993792 (ATAC-STARR-seq lymphoblastoid silent region 15969; plus strand). Cytogenetic location: 5p13.2.
Variant type: single nucleotide variant.
Coding change: c.94C>G on transcript NM_001012339.3 (MANE Select); coding-DNA position 94, C replaced by G.
Protein change: p.Pro32Ala; replaces proline 32 with alanine.
Molecular consequence: missense variant.
Genome position (GRCh38, 1-based): chr5:34,929,913, C>G. VCF-style: chr5-34929913-C-G. GRCh37 (hg19) VCF-style: chr5-34930018-C-G.
Other names: c.94C>G, p.Pro32Ala (NM_001348420.2, NM_194283.4); short protein forms P32A.
Identifiers: ClinVar variation 222063 (VCV000222063.2), dbSNP rs879253818, ClinGen allele CA10575852.